The following is an entry in ClinVar:

NM_004168.4(SDHA):c.1697T>G (p.Leu566Arg)

Gene: SDHA (succinate dehydrogenase complex flavoprotein subunit A; plus strand). Cytogenetic location: 5p15.33.
Variant type: single nucleotide variant.
Coding change: c.1697T>G on transcript NM_004168.4 (MANE Select); coding-DNA position 1697, T replaced by G.
Protein change: p.Leu566Arg; replaces leucine 566 with arginine.
Molecular consequence: missense variant. On other transcripts: intron variant (1).
Genome position (GRCh38, 1-based): chr5:251,371, T>G. VCF-style: chr5-251371-T-G. GRCh37 (hg19) VCF-style: chr5-251486-T-G.
Other names: c.1553T>G, p.Leu518Arg (NM_001294332.2); c.1552-3022T>G (NM_001330758.2); c.1697T>G (NM_004168.2); short protein forms L518R, L566R.
Identifiers: ClinVar variation 643904 (VCV000643904.11), dbSNP rs1579438883, ClinGen allele CA358999993.

ClinVar aggregate classification (germline): Uncertain significance. Review status: criteria provided, multiple submitters, no conflicts (2 of 4 stars). 3 submissions from 3 submitters: Uncertain significance (3). Last evaluated 2026-02-18.

Conditions:
Dilated cardiomyopathy 1GG (CMD1GG). Identifiers: Orphanet 154, MedGen C3150898, MONDO:0013339, OMIM 613642.
Pheochromocytoma/paraganglioma syndrome 5. Also called: Paragangliomas 5; SDHA-Related Hereditary Paraganglioma-Pheochromocytoma Syndrome. Identifiers: Orphanet 29072, MedGen C3279992, MONDO:0013602, OMIM 614165.
Mitochondrial complex II deficiency, nuclear type 1. Also called: SUCCINATE CoQ REDUCTASE DEFICIENCY. Identifiers: Orphanet 3208, MedGen C5700310, MONDO:0100294, OMIM 252011.
Hereditary cancer-predisposing syndrome. Also called: Tumor predisposition; Neoplastic Syndromes, Hereditary; Hereditary Cancer Syndrome; Hereditary neoplastic syndrome. Identifiers: Orphanet 140162, MedGen C0027672, MeSH D009386, MONDO:0015356.

Submissions (3):

Ambry Genetics
Classification: Uncertain significance for Hereditary cancer-predisposing syndrome. Last evaluated: 2026-02-18. Review status: criteria provided, single submitter. Criteria: Ambry Variant Classification Scheme 2023. Collection method: clinical testing. Allele origin: germline.
Comment: The p.L566R variant (also known as c.1697T>G), located in coding exon 13 of the SDHA gene, results from a T to G substitution at nucleotide position 1697. The leucine at codon 566 is replaced by arginine, an amino acid with dissimilar properties. This amino acid position is conserved. In addition, this alteration is predicted to be deleterious by in silico analysis. Based on the available evidence, the clinical significance of this variant remains unclear.

Labcorp Genetics (formerly Invitae), Labcorp
Classification: Uncertain significance for Pheochromocytoma/paraganglioma syndrome 5; Mitochondrial complex II deficiency, nuclear type 1. Last evaluated: 2025-08-22. Review status: criteria provided, single submitter. Criteria: Invitae Variant Classification Sherloc (09022015). Collection method: clinical testing. Allele origin: germline.
Comment: This sequence change replaces leucine, which is neutral and non-polar, with arginine, which is basic and polar, at codon 566 of the SDHA protein (p.Leu566Arg). This variant is not present in population databases (gnomAD no frequency). This variant has not been reported in the literature in individuals affected with SDHA-related conditions. ClinVar contains an entry for this variant (Variation ID: 643904). Invitae Evidence Modeling of protein sequence and biophysical properties (such as structural, functional, and spatial information, amino acid conservation, physicochemical variation, residue mobility, and thermodynamic stability) has been performed for this missense variant. However, the output from this modeling did not meet the statistical confidence thresholds required to predict the impact of this variant on SDHA protein function. In summary, the available evidence is currently insufficient to determine the role of this variant in disease. Therefore, it has been classified as a Variant of Uncertain Significance.

Laboratorio de Genetica e Diagnostico Molecular, Hospital Israelita Albert Einstein
Classification: Uncertain significance for Dilated cardiomyopathy 1GG. Last evaluated: 2022-10-28. Review status: criteria provided, single submitter. Criteria: ACMG Guidelines, 2015. Collection method: clinical testing. Allele origin: germline. Affected: yes.
Comment: ACMG classification criteria: PM2 moderated, PP3 supporting